The following is an entry in ClinVar:

ClinVar aggregate classification (germline): Conflicting classifications of pathogenicity. Review status: criteria provided, conflicting classifications (1 of 4 stars). 3 submissions from 3 submitters: Likely pathogenic, low penetrance (1); Uncertain significance (2). Last evaluated 2026-06-30.

Conditions:
CFI-related disorder. Also called: CFI-related condition; CFI-related disorders. Identifiers: MedGen CN239325.
Atypical hemolytic-uremic syndrome with I factor anomaly. Also called: HEMOLYTIC UREMIC SYNDROME, ATYPICAL, SUSCEPTIBILITY TO, 3; AHUS, SUSCEPTIBILITY TO, 3. Identifiers: Orphanet 2134, MedGen C2752039, MONDO:0013041, OMIM 612923.

Allele frequency attached by ClinVar (database versions not stated): gnomAD exomes 0.00001; ExAC 0.00002.
gnomAD v4.1: 15 of 1,601,172 alleles (0.00094%); highest among the groups gnomAD compares: Non-Finnish European, 0.0013%; no homozygotes.

Submissions (3):

MVZ Medizinische Genetik Mainz
Classification: Uncertain significance for Atypical hemolytic-uremic syndrome with I factor anomaly. Last evaluated: 2026-06-30. Review status: criteria provided, single submitter. Criteria: UK Practice Guidelines For Variant Classification V4 01 2020. Collection method: clinical testing. Allele origin: germline. Inheritance: Autosomal dominant inheritance. Observed: 1 variant allele.
Comment: ACMG Criteria: PP3_MOD,PS3_SUP,PM1_SUP,PM2_SUP

Genomenon, Inc
Classification: Likely pathogenic, low penetrance for CFI-related disorder. Last evaluated: 2025-09-26. Review status: criteria provided, single submitter. Criteria: Genomenon Sequence Variant Interpretation Standards - Updated. Collection method: curation. Allele origin: germline. Affected: no.
Comment: CFI p.Gly512Ser (c.1534G>A) is a missense variant that changes the amino acid at residue 512 from Glycine to Serine. To our knowledge, this variant has not been reported in patients affected with CFI-related disorders in the published literature. At least one functional study has demonstrated a substantial alteration in protein function relative to the wild-type (PMID:35069568). It is absent or not present at a significant frequency in gnomAD. In silico models agree that this variant is possibly or probably damaging. In conclusion, we classify CFI p.Gly512Ser (c.1534G>A) as a likely pathogenic, low penetrance variant.

Labcorp Genetics (formerly Invitae), Labcorp
Classification: Uncertain significance. Last evaluated: 2023-12-30. Review status: criteria provided, single submitter. Criteria: Invitae Variant Classification Sherloc (09022015). Collection method: clinical testing. Allele origin: germline.
Comment: This sequence change replaces glycine, which is neutral and non-polar, with serine, which is neutral and polar, at codon 512 of the CFI protein (p.Gly512Ser). This variant also falls at the last nucleotide of exon 12, which is part of the consensus splice site for this exon. This variant is present in population databases (rs770828632, gnomAD 0.002%). This missense change has been observed in individual(s) with age-related macular dystropy (PMID: 24036952, 32510551). An algorithm developed to predict the effect of missense changes on protein structure and function (PolyPhen-2) suggests that this variant is likely to be disruptive. Experimental studies have shown that this missense change does not substantially affect CFI function (PMID: 32510551). Variants that disrupt the consensus splice site are a relatively common cause of aberrant splicing (PMID: 17576681, 9536098). In summary, the available evidence is currently insufficient to determine the role of this variant in disease. Therefore, it has been classified as a Variant of Uncertain Significance.

Literature cited by the submitters: PubMed 35069568 (cited by Genomenon, Inc); PubMed 24036952 (cited by Labcorp Genetics (formerly Invitae), Labcorp); PubMed 32510551 (cited by Labcorp Genetics (formerly Invitae), Labcorp); PubMed 17576681 (cited by Labcorp Genetics (formerly Invitae), Labcorp); PubMed 9536098 (cited by Labcorp Genetics (formerly Invitae), Labcorp).

NM_000204.5(CFI):c.1534G>A (p.Gly512Ser)

Gene: CFI (complement factor I; minus strand). Cytogenetic location: 4q25.
Variant type: single nucleotide variant.
Coding change: c.1534G>A on transcript NM_000204.5 (MANE Select); coding-DNA position 1534, G replaced by A.
Protein change: p.Gly512Ser; replaces glycine 512 with serine.
Molecular consequence: missense variant. On other transcripts: non-coding transcript variant (3).
Genome position (GRCh38, 1-based): chr4:109,742,491, C>T on the plus strand (G>A on the coding strand, the complement: CFI is on the minus strand). VCF-style: chr4-109742491-C-T. GRCh37 (hg19) VCF-style: chr4-110663647-C-T.
Other names: c.1534G>A, p.Glu512Lys (NM_001375281.1); c.1513G>A, p.Glu505Lys (NM_001375282.1); c.1477G>A, p.Gly493Ser (NM_001375283.1); c.925G>A, p.Gly309Ser (NM_001375284.1); c.1558G>A, p.Gly520Ser (NM_001318057.2); c.1513G>A, p.Gly505Ser (NM_001331035.2); c.1558G>A, p.Asp520Asn (NM_001375278.1); c.1534G>A, p.Asp512Asn (NM_001375279.1); and 1 more; short protein forms D505N, E505K, G512S, E512K, G505S, D520N, G493S, G520S.
Identifiers: ClinVar variation 2734665 (VCV002734665.5), dbSNP rs770828632, ClinGen allele CA3041878.